The following is an entry in ClinVar:

ClinVar aggregate classification (germline): Uncertain significance (1 of 4 stars; one submission).

Conditions:
Immunodeficiency 14 (IMD14A). Also called: p110-DELTA-ACTIVATING MUTATION CAUSING SENESCENT T CELLS, LYMPHADENOPATHY, AND IMMUNODEFICIENCY; ACTIVATED PI3K-DELTA SYNDROME 1; Activated PI3K Delta Syndrome Type 1 (APDS1); IMMUNODEFICIENCY 14A WITH LYMPHOPROLIFERATION, AUTOSOMAL DOMINANT. Identifiers: Orphanet 397596, Orphanet 693661, MedGen C5907821, MONDO:0014222, OMIM 615513.

gnomAD v4.1: 1 of 1,614,136 alleles (0.000062%); highest among the groups gnomAD compares: Admixed American, 0.0017%; no homozygotes.

Submission:

Labcorp Genetics (formerly Invitae), Labcorp
Classification: Uncertain significance for Activated PI3K-delta syndrome. Last evaluated: 2025-10-09. Review status: criteria provided, single submitter. Criteria: Invitae Variant Classification Sherloc (09022015). Collection method: clinical testing. Allele origin: germline.
Comment: This sequence change replaces glutamine, which is neutral and polar, with arginine, which is basic and polar, at codon 329 of the PIK3CD protein (p.Gln329Arg). This variant is present in population databases (rs766425588, gnomAD no frequency). This variant has not been reported in the literature in individuals affected with PIK3CD-related conditions. Invitae Evidence Modeling of protein sequence and biophysical properties (such as structural, functional, and spatial information, amino acid conservation, physicochemical variation, residue mobility, and thermodynamic stability) indicates that this missense variant is not expected to disrupt PIK3CD protein function with a negative predictive value of 80%. In summary, the available evidence is currently insufficient to determine the role of this variant in disease. Therefore, it has been classified as a Variant of Uncertain Significance.

NM_005026.5(PIK3CD):c.986A>G (p.Gln329Arg)

Gene: PIK3CD (phosphatidylinositol-4,5-bisphosphate 3-kinase catalytic subunit delta; plus strand). Cytogenetic location: 1p36.22.
Variant type: single nucleotide variant.
Coding change: c.986A>G on transcript NM_005026.5 (MANE Select); coding-DNA position 986, A replaced by G.
Protein change: p.Gln329Arg; replaces glutamine 329 with arginine.
Molecular consequence: missense variant.
Genome position (GRCh38, 1-based): chr1:9,717,592, A>G. VCF-style: chr1-9717592-A-G. GRCh37 (hg19) VCF-style: chr1-9777650-A-G.
Other names: c.986A>G, p.Gln329Arg (NM_001350234.2, NM_001437546.1, NM_001437547.1 and 2 more transcripts); c.899A>G, p.Gln300Arg (NM_001350235.1); short protein forms Q300R, Q329R.
Identifiers: ClinVar variation 4744531 (VCV004744531.1).